The following is an entry in ClinVar:

NM_001110556.2(FLNA):c.7442A>G (p.Glu2481Gly)

Gene: FLNA (filamin A; minus strand). Cytogenetic location: Xq28.
Variant type: single nucleotide variant.
Coding change: c.7442A>G on transcript NM_001110556.2 (MANE Select); coding-DNA position 7442, A replaced by G.
Protein change: p.Glu2481Gly; replaces glutamic acid 2481 with glycine.
Molecular consequence: missense variant.
Genome position (GRCh38, 1-based): chrX:154,349,759, T>C on the plus strand (A>G on the coding strand, the complement: FLNA is on the minus strand). VCF-style: chrX-154349759-T-C. GRCh37 (hg19) VCF-style: chrX-153578127-T-C.
Other names: c.7418A>G, p.Glu2473Gly (NM_001456.4); short protein forms E2473G, E2481G.
Identifiers: ClinVar variation 1758810 (VCV001758810.2), dbSNP rs2522713813, ClinGen allele CA415182283.
Genomic context (GRCh38, chrX:154,349,759, plus strand): 5'-TACTTGATGGAGATGAGGTAGCTGCCAGGTGCCATGGGGGTATAGGTGACGCGGTAGCCC[T>C]CAGGGCACTCCTGGCAATCCATCTTCACCTTGGAGGGGCCGTCAATGGTCACCGACAGGG-3'
Protein context (NP_001104026.1, residues 2471-2491): KVKMDCQECP[Glu2481Gly]GYRVTYTPMA

ClinVar aggregate classification (germline): Uncertain significance (1 of 4 stars; one submission).

Conditions:
Familial thoracic aortic aneurysm and aortic dissection (TAAD). Also called: Thoracic aortic aneurysms and dissections. Identifiers: Orphanet 91387, MedGen C4707243, MONDO:0019625.

Submission:

Ambry Genetics
Classification: Uncertain significance for Familial thoracic aortic aneurysm and aortic dissection. Last evaluated: 2019-05-08. Review status: criteria provided, single submitter. Criteria: Ambry Variant Classification Scheme 2023. Collection method: clinical testing. Allele origin: germline.
Comment: The p.E2473G variant (also known as c.7418A>G), located in coding exon 44 of the FLNA gene, results from an A to G substitution at nucleotide position 7418. The glutamic acid at codon 2473 is replaced by glycine, an amino acid with similar properties. This amino acid position is highly conserved in available vertebrate species. In addition, this alteration is predicted to be deleterious by in silico analysis. Since supporting evidence is limited at this time, the clinical significance of this alteration remains unclear.